The following is an entry in ClinVar:

NM_001267550.2(TTN):c.66463+1G>T

Genes: TTN (titin; minus strand), TTN-AS1 (TTN antisense RNA 1; plus strand). Cytogenetic location: 2q31.2.
Variant type: single nucleotide variant.
Coding change: c.66463+1G>T on transcript NM_001267550.2 (MANE Select); the canonical splice donor site of the intron after coding-DNA position 66463, G replaced by T.
Molecular consequence: splice donor variant.
Genome position (GRCh38, 1-based): chr2:178,581,905, C>A on the plus strand (G>T on the coding strand, the complement: TTN is on the minus strand). VCF-style: chr2-178581905-C-A. GRCh37 (hg19) VCF-style: chr2-179446632-C-A.
Other names: c.39268+1G>T (NM_003319.4); c.39844+1G>T (NM_133437.4); c.39643+1G>T (NM_133432.3); c.58759+1G>T (NM_133378.4); c.61540+1G>T (NM_001256850.1).
Identifiers: ClinVar variation 1284793 (VCV001284793.4), dbSNP rs1340087855, ClinGen allele CA349429082.

ClinVar aggregate classification (germline): Likely pathogenic. Review status: criteria provided, single submitter (1 of 4 stars). 3 submissions from 3 submitters: Likely pathogenic (1). 2 of the submissions do not count toward it. Last evaluated 2023-09-07.

Allele frequency attached by ClinVar (database versions not stated): gnomAD exomes below 0.00001.
gnomAD v4.1: 1 of 1,612,988 alleles (0.000062%); highest among the groups gnomAD compares: Non-Finnish European, 0.000085%; no homozygotes.

Submissions (3):

GeneDx
Classification: Likely pathogenic. Last evaluated: 2023-09-07. Review status: criteria provided, single submitter. Criteria: GeneDx Variant Classification Process June 2021. Collection method: clinical testing. Allele origin: germline. Affected: yes.
Comment: Canonical splice site variant predicted to result in a null allele in a gene for which loss of function is a known mechanism of disease; Located in the A-band region of TTN in which the majority of loss of function variants have been associated with autosomal dominant titinopathies (Herman et al., 2012); Reported in association with DCM (Jansen et al., 2019; van Lint et al., 2019); Not observed at significant frequency in large population cohorts (gnomAD); This variant is associated with the following publications: (PMID: 31112426, 30847666)

Clinical Genetics, Academic Medical Center
Classification: Likely pathogenic. Review status: no assertion criteria provided. Collection method: clinical testing. Allele origin: germline. Affected: yes. Study: VKGL Data-share Consensus. Not counted in ClinVar's aggregate classification.

Diagnostic Laboratory, Department of Genetics, University Medical Center Groningen
Classification: Likely pathogenic. Review status: no assertion criteria provided. Collection method: clinical testing. Allele origin: germline. Affected: yes. Study: VKGL Data-share Consensus. Not counted in ClinVar's aggregate classification.